The following is an entry in ClinVar:

NM_212482.4(FN1):c.3449T>C (p.Val1150Ala)

Gene: FN1 (fibronectin 1; minus strand). Cytogenetic location: 2q35.
Variant type: single nucleotide variant.
Coding change: c.3449T>C on transcript NM_212482.4 (MANE Select); coding-DNA position 3449, T replaced by C.
Protein change: p.Val1150Ala; replaces valine 1150 with alanine.
Molecular consequence: missense variant.
Genome position (GRCh38, 1-based): chr2:215,397,748, A>G on the plus strand (T>C on the coding strand, the complement: FN1 is on the minus strand). VCF-style: chr2-215397748-A-G. GRCh37 (hg19) VCF-style: chr2-216262471-A-G.
Other names: c.3449T>C, p.Val1150Ala (NM_212478.3, NM_001306129.2, NM_001306130.2 and 13 more transcripts); short protein forms V1150A.
Identifiers: ClinVar variation 3728037 (VCV003728037.2).
Genomic context (GRCh38, chr2:215,397,748, plus strand): 5'-ACTTTGTTTACAATTGGCGCATCTCTTTCCTGTCCATCTCTCAGGACTTGGATGGTGTAG[A>G]CGTATTCTACTCCTGGAGTCAAGCCGGACACAACGATGCTTCCTGAGTCTGAAGTCACTT-3'
Protein context (NP_997647.2, residues 1140-1160): VSGLTPGVEY[Val1150Ala]YTIQVLRDGQ

ClinVar aggregate classification (germline): Uncertain significance (1 of 4 stars; one submission).

Submission:

Labcorp Genetics (formerly Invitae), Labcorp
Classification: Uncertain significance. Last evaluated: 2024-12-24. Review status: criteria provided, single submitter. Criteria: Invitae Variant Classification Sherloc (09022015). Collection method: clinical testing. Allele origin: germline.
Comment: This sequence change replaces valine, which is neutral and non-polar, with alanine, which is neutral and non-polar, at codon 1150 of the FN1 protein (p.Val1150Ala). This variant is not present in population databases (gnomAD no frequency). This variant has not been reported in the literature in individuals affected with FN1-related conditions. An algorithm developed to predict the effect of missense changes on protein structure and function (PolyPhen-2) suggests that this variant is likely to be tolerated. In summary, the available evidence is currently insufficient to determine the role of this variant in disease. Therefore, it has been classified as a Variant of Uncertain Significance.